The following is an entry in ClinVar:

ClinVar aggregate classification (germline): Uncertain significance (1 of 4 stars; one submission).

gnomAD v4.1: 3 of 1,614,216 alleles (0.00019%); highest among the groups gnomAD compares: Non-Finnish European, 0.00025%; no homozygotes.

Submission:

Labcorp Genetics (formerly Invitae), Labcorp
Classification: Uncertain significance. Last evaluated: 2025-12-22. Review status: criteria provided, single submitter. Criteria: Invitae Variant Classification Sherloc (09022015). Collection method: clinical testing. Allele origin: germline.
Comment: This sequence change replaces histidine, which is basic and polar, with asparagine, which is neutral and polar, at codon 1041 of the DUOX2 protein (p.His1041Asn). This variant is present in population databases (rs769625467, gnomAD 0.0009%). This variant has not been reported in the literature in individuals affected with DUOX2-related conditions. Invitae Evidence Modeling of protein sequence and biophysical properties (such as structural, functional, and spatial information, amino acid conservation, physicochemical variation, residue mobility, and thermodynamic stability) indicates that this missense variant is expected to disrupt DUOX2 protein function with a positive predictive value of 80%. In summary, the available evidence is currently insufficient to determine the role of this variant in disease. Therefore, it has been classified as a Variant of Uncertain Significance.

NM_001363711.2(DUOX2):c.3121C>A (p.His1041Asn)

Gene: DUOX2 (dual oxidase 2; minus strand). Cytogenetic location: 15q21.1.
Variant type: single nucleotide variant.
Coding change: c.3121C>A on transcript NM_001363711.2 (MANE Select); coding-DNA position 3121, C replaced by A.
Protein change: p.His1041Asn; replaces histidine 1041 with asparagine.
Molecular consequence: missense variant.
Genome position (GRCh38, 1-based): chr15:45,100,113, G>T on the plus strand (C>A on the coding strand, the complement: DUOX2 is on the minus strand). VCF-style: chr15-45100113-G-T. GRCh37 (hg19) VCF-style: chr15-45392311-G-T.
Other names: c.3121C>A, p.His1041Asn (NM_014080.5); short protein forms H1041N.
Identifiers: ClinVar variation 4697652 (VCV004697652.1).
Genomic context (GRCh38, chr15:45,100,113, plus strand): 5'-AAGCACGATCTGCAAACACGCCAACACAGATGGCCGAGAAGATTGCCACACACACGATGT[G>T]CCTCCGGTAGTTCTCCACGAAGCGCTTGTACTGCTGCAGCTTTTGGGCTAGGAAGCCTCG-3'
Protein context (NP_001350640.1, residues 1031-1051): YKRFVENYRR[His1041Asn]IVCVAIFSAI